The following is an entry in ClinVar:

NM_181672.3(OGT):c.2302A>G (p.Ser768Gly)

Gene: OGT (O-linked N-acetylglucosamine (GlcNAc) transferase; plus strand). Cytogenetic location: Xq13.1.
Variant type: single nucleotide variant.
Coding change: c.2302A>G on transcript NM_181672.3 (MANE Select); coding-DNA position 2302, A replaced by G.
Protein change: p.Ser768Gly; replaces serine 768 with glycine.
Molecular consequence: missense variant.
Genome position (GRCh38, 1-based): chrX:71,563,365, A>G. VCF-style: chrX-71563365-A-G. GRCh37 (hg19) VCF-style: chrX-70783215-A-G.
Other names: c.2272A>G, p.Ser758Gly (NM_181673.3); short protein forms S758G, S768G.
Identifiers: ClinVar variation 1341642 (VCV001341642.5), dbSNP rs2147689964, ClinGen allele CA413564709.

ClinVar aggregate classification (germline): Uncertain significance. Review status: criteria provided, multiple submitters, no conflicts (2 of 4 stars). 2 submissions from 2 submitters: Uncertain significance (2). Last evaluated 2023-04-26.

gnomAD v4.1: 1 of 1,207,568 alleles (0.000083%); highest among the groups gnomAD compares: Non-Finnish European, 0.00011%; no homozygotes.

Submissions (2):

Labcorp Genetics (formerly Invitae), Labcorp
Classification: Uncertain significance. Last evaluated: 2023-04-26. Review status: criteria provided, single submitter. Criteria: Invitae Variant Classification Sherloc (09022015). Collection method: clinical testing. Allele origin: germline.
Comment: In summary, the available evidence is currently insufficient to determine the role of this variant in disease. Therefore, it has been classified as a Variant of Uncertain Significance. This sequence change replaces serine, which is neutral and polar, with glycine, which is neutral and non-polar, at codon 768 of the OGT protein (p.Ser768Gly). This variant is not present in population databases (gnomAD no frequency). This variant has not been reported in the literature in individuals affected with OGT-related conditions. ClinVar contains an entry for this variant (Variation ID: 1341642). Advanced modeling of protein sequence and biophysical properties (such as structural, functional, and spatial information, amino acid conservation, physicochemical variation, residue mobility, and thermodynamic stability) performed at Invitae indicates that this missense variant is not expected to disrupt OGT protein function.

GeneDx
Classification: Uncertain significance. Last evaluated: 2021-08-13. Review status: criteria provided, single submitter. Criteria: GeneDx Variant Classification Process June 2021. Collection method: clinical testing. Allele origin: germline. Affected: yes.
Comment: Not observed at significant frequency in large population cohorts (gnomAD); In silico analysis supports that this missense variant does not alter protein structure/function; Has not been previously published as pathogenic or benign to our knowledge